The following is an entry in ClinVar:

ClinVar aggregate classification (germline): Conflicting classifications of pathogenicity. Review status: criteria provided, conflicting classifications (1 of 4 stars). 7 submissions from 7 submitters: Uncertain significance (3); Likely benign (2). 2 of the submissions do not count toward it. Last evaluated 2026-03-06.

Conditions:
TTN-related disorder. Also called: TTN-related condition; TTN-related disease; TTN-related disorders.
Cardiovascular phenotype. Identifiers: MedGen CN230736.

Submissions (7):

PreventionGenetics, part of Exact Sciences
Classification: Uncertain significance for TTN-related condition. Last evaluated: 2026-03-06. Review status: criteria provided, single submitter. Criteria: ACMG Guidelines, 2015. Collection method: clinical testing. Allele origin: germline.
Comment: The TTN c.91613_91615delTTA variant is predicted to result in an in-frame deletion (p.Ile30538del). To our knowledge, this variant has not been reported in the literature. This variant is reported in 0.029% of alleles in individuals of African descent in gnomAD. At this time, the clinical significance of this variant is uncertain due to the absence of conclusive functional and genetic evidence.

Ambry Genetics
Classification: Uncertain significance for Cardiovascular phenotype. Last evaluated: 2025-09-11. Review status: criteria provided, single submitter. Criteria: Ambry Variant Classification Scheme 2023. Collection method: clinical testing. Allele origin: germline.
Comment: The c.64418_64420delTTA variant (also known as p.I21473del) is located in coding exon 164 of the TTN gene. This variant results from an in-frame TTA deletion at nucleotide positions 64418 to 64420. This results in the in-frame deletion of an isoleucine at codon 21473. This amino acid position is not well conserved in available vertebrate species. In addition, this alteration is predicted to be deleterious by in silico analysis (Choi Y et al. PLoS ONE. 2012; 7(10):e46688). Since supporting evidence is limited at this time, the clinical significance of this alteration remains unclear.

Blueprint Genetics
Classification: Likely benign. Last evaluated: 2022-12-05. Review status: criteria provided, single submitter. Criteria: ACMG Guidelines, 2015. Collection method: clinical testing. Allele origin: germline.

GeneDx
Classification: Likely benign. Last evaluated: 2021-05-20. Review status: criteria provided, single submitter. Criteria: GeneDx Variant Classification Process June 2021. Collection method: clinical testing. Allele origin: germline. Affected: yes.

Women's Health and Genetics/Laboratory Corporation of America, LabCorp
Classification: Uncertain significance. Last evaluated: 2021-03-15. Review status: criteria provided, single submitter. Criteria: LabCorp Variant Classification Summary - May 2015. Collection method: clinical testing. Allele origin: germline.
Comment: Variant summary: TTN c.83909_83911delTTA (p.Ile27970del) results in an in-frame deletion that is predicted to remove one amino acid from the encoded protein. The variant allele was found at a frequency of 2.4e-05 in 248394 control chromosomes (gnomAD). The available data on variant occurrences in the general population are insufficient to allow any conclusion about variant significance. To our knowledge, no occurrence of c.83909_83911delTTA in individuals affected with Dilated Cardiomyopathy and no experimental evidence demonstrating its impact on protein function have been reported. No clinical diagnostic laboratories have submitted clinical-significance assessments for this variant to ClinVar after 2014. Based on the evidence outlined above, the variant was classified as uncertain significance.

Clinical Genetics, Academic Medical Center
Classification: Uncertain significance. Review status: no assertion criteria provided. Collection method: clinical testing. Allele origin: germline. Affected: yes. Study: VKGL Data-share Consensus. Not counted in ClinVar's aggregate classification.

Joint Genome Diagnostic Labs from Nijmegen and Maastricht, Radboudumc and MUMC+
Classification: Uncertain significance. Review status: no assertion criteria provided. Collection method: clinical testing. Allele origin: germline. Affected: yes. Study: VKGL Data-share Consensus. Not counted in ClinVar's aggregate classification.

NM_001267550.2(TTN):c.91610TTA[1] (p.Ile30538del)

Genes: TTN-AS1 (TTN antisense RNA 1; plus strand), TTN (titin; minus strand). Cytogenetic location: 2q31.2.
Variant type: Microsatellite.
Coding change: c.91610TTA[1] on transcript NM_001267550.2 (MANE Select); one copy of the 3-base unit TTA starting at c.91610; the reference has two copies in a row; one copy, 3 bases deleted.
Protein change: p.Ile30538del; deletes isoleucine 30538.
Molecular consequence: inframe deletion.
Genome position (GRCh38, 1-based): chr2:178,550,223-178,550,225, TAA deleted on the plus strand (TTA on the coding strand, the reverse complement: TTN is on the minus strand); deleting any 3 consecutive bases within chr2:178,550,223-178,550,229 gives the same sequence; the position shown is the placement nearest the transcript's 3' end. VCF-style (leftmost placement, unchanged base first): chr2-178550222-TTAA-T. GRCh37 (hg19) VCF-style: chr2-179414949-TTAA-T.
Other names: c.86690_86692delTTA (NM_001256850.1); c.83909_83911delTTA (NM_133378.4); c.64415TTA[1], p.Ile21473del (NM_003319.4); c.83906TTA[1], p.Ile27970del (NM_133378.4); c.64790TTA[1], p.Ile21598del (NM_133432.3); c.64991TTA[1], p.Ile21665del (NM_133437.4); c.86687TTA[1], p.Ile28897del (NM_001256850.1); c.91613_91615delTTA (NM_001267550.2); and 1 more; short protein forms I21473del, I21598del, I21665del, I27970del, I28897del, I30538del.
Identifiers: ClinVar variation 1027631 (VCV001027631.12), dbSNP rs754953607, ClinGen allele CA1987588.